The following is an entry in ClinVar:

NM_003846.3(PEX11B):c.275A>G (p.Asn92Ser)

Gene: PEX11B (peroxisomal biogenesis factor 11 beta; minus strand). Cytogenetic location: 1q21.1.
Variant type: single nucleotide variant.
Coding change: c.275A>G on transcript NM_003846.3 (MANE Select); coding-DNA position 275, A replaced by G.
Protein change: p.Asn92Ser; replaces asparagine 92 with serine.
Molecular consequence: missense variant. On other transcripts: non-coding transcript variant (3).
Genome position (GRCh38, 1-based): chr1:145,916,916, T>C on the plus strand (A>G on the coding strand, the complement: PEX11B is on the minus strand). VCF-style: chr1-145916916-T-C. GRCh37 (hg19) VCF-style: chr1-145518173-A-G.
Other names: p.Asn92Ser; c.233A>G, p.Asn78Ser (NM_001184795.1); c.275A>G (NM_003846.2); short protein forms N92S, N78S.
Identifiers: ClinVar variation 593934 (VCV000593934.11), dbSNP rs146562689, ClinGen allele CA1055557.
Genomic context (GRCh38, chr1:145,916,916, plus strand): 5'-GGAGCCAGTCCAGACTTTCCAGCCCACAGGACATTGTCACAGGCGAAGTACAAGGCTCGA[T>C]TGAGGTGACTAACAGTGATGCAGAATCTCAGGACAACATCTGATAGGTGAACAGCTCTTT-3'
Protein context (NP_003837.1, residues 82-102): LRFCITVSHL[Asn92Ser]RALYFACDNV

ClinVar aggregate classification (germline): Uncertain significance. Review status: criteria provided, multiple submitters, no conflicts (2 of 4 stars). 6 submissions from 6 submitters: Uncertain significance (6). Last evaluated 2025-10-22.

Conditions:
PEX11B-related disorder. Also called: PEX11B-related condition.
Inborn genetic diseases. Identifiers: MedGen C0950123, MeSH D030342.

Allele frequency attached by ClinVar (database versions not stated): gnomAD 0.00014 and 0.00015; TOPMed 0.00015; 1000 Genomes Project 0.00020; 1000 Genomes Project 30x 0.00047.

Submissions (6):

Ambry Genetics
Classification: Uncertain significance for Inborn genetic diseases. Last evaluated: 2025-10-22. Review status: criteria provided, single submitter. Criteria: Ambry Variant Classification Scheme 2023. Collection method: clinical testing. Allele origin: germline.

PreventionGenetics, part of Exact Sciences
Classification: Uncertain significance for PEX11B-related condition. Last evaluated: 2025-07-24. Review status: criteria provided, single submitter. Criteria: ACMG Guidelines, 2015. Collection method: clinical testing. Allele origin: germline.
Comment: The PEX11B c.275A>G variant is predicted to result in the amino acid substitution p.Asn92Ser. To our knowledge, this variant has not been reported in the literature. This variant is reported in 0.036% of alleles in individuals of African descent in gnomAD. At this time, the clinical significance of this variant is uncertain due to the absence of conclusive functional and genetic evidence.

Mayo Clinic Laboratories, Mayo Clinic
Classification: Uncertain significance. Last evaluated: 2024-09-30. Review status: criteria provided, single submitter. Criteria: ACMG Guidelines, 2015. Collection method: clinical testing. Allele origin: germline. Observed: 1 variant allele.
Comment: BP4, PM2_supporting

Blueprint Genetics
Classification: Uncertain significance. Last evaluated: 2024-03-20. Review status: criteria provided, single submitter. Criteria: ACMG Guidelines, 2015. Collection method: clinical testing. Allele origin: germline.

Labcorp Genetics (formerly Invitae), Labcorp
Classification: Uncertain significance. Last evaluated: 2022-10-13. Review status: criteria provided, single submitter. Criteria: Invitae Variant Classification Sherloc (09022015). Collection method: clinical testing. Allele origin: germline.
Comment: This sequence change replaces asparagine, which is neutral and polar, with serine, which is neutral and polar, at codon 92 of the PEX11B protein (p.Asn92Ser). This variant is present in population databases (rs146562689, gnomAD 0.03%). This variant has not been reported in the literature in individuals affected with PEX11B-related conditions. ClinVar contains an entry for this variant (Variation ID: 593934). Algorithms developed to predict the effect of missense changes on protein structure and function are either unavailable or do not agree on the potential impact of this missense change (SIFT: "Tolerated"; PolyPhen-2: "Possibly Damaging"; Align-GVGD: "Class C0"). In summary, the available evidence is currently insufficient to determine the role of this variant in disease. Therefore, it has been classified as a Variant of Uncertain Significance.

Eurofins Ntd Llc (ga)
Classification: Uncertain significance. Last evaluated: 2017-09-06. Review status: criteria provided, single submitter. Criteria: EGL Classification Definitions 2015. Collection method: clinical testing. Allele origin: germline. Observed: 2 variant alleles, 2 heterozygotes.